The following is an entry in ClinVar:

ClinVar aggregate classification (germline): Likely pathogenic (1 of 4 stars; one submission).

gnomAD v4.1: 2 of 1,554,338 alleles (0.00013%); highest among the groups gnomAD compares: East Asian, 0.0024%; no homozygotes.

Submission:

Labcorp Genetics (formerly Invitae), Labcorp
Classification: Likely pathogenic. Last evaluated: 2023-07-13. Review status: criteria provided, single submitter. Criteria: Invitae Variant Classification Sherloc (09022015). Collection method: clinical testing. Allele origin: germline.
Comment: This variant is not present in population databases (gnomAD no frequency). This sequence change affects a donor splice site in intron 1 of the SEPSECS gene. It is expected to disrupt RNA splicing. Variants that disrupt the donor or acceptor splice site typically lead to a loss of protein function (PMID: 16199547), and loss-of-function variants in SEPSECS are known to be pathogenic (PMID: 25558065, 25590979, 26115735). This variant has not been reported in the literature in individuals affected with SEPSECS-related conditions. In summary, the currently available evidence indicates that the variant is pathogenic, but additional data are needed to prove that conclusively. Therefore, this variant has been classified as Likely Pathogenic. Algorithms developed to predict the effect of sequence changes on RNA splicing suggest that this variant may disrupt the consensus splice site.

Literature cited by the submitters: PubMed 16199547; PubMed 25558065; PubMed 25590979; PubMed 26115735.

NM_016955.4(SEPSECS):c.114+1G>A

Genes: SEPSECS (Sep (O-phosphoserine) tRNA:Sec (selenocysteine) tRNA synthase; minus strand), LOC129992330 (ATAC-STARR-seq lymphoblastoid silent region 15319; plus strand). Cytogenetic location: 4p15.2.
Variant type: single nucleotide variant.
Coding change: c.114+1G>A on transcript NM_016955.4 (MANE Select); the canonical splice donor site of the intron after coding-DNA position 114, G replaced by A.
Molecular consequence: splice donor variant.
Genome position (GRCh38, 1-based): chr4:25,160,255, C>T on the plus strand (G>A on the coding strand, the complement: SEPSECS is on the minus strand). VCF-style: chr4-25160255-C-T. GRCh37 (hg19) VCF-style: chr4-25161877-C-T.
Other names: c.114+1G>A (NM_001410714.1).
Identifiers: ClinVar variation 3005213 (VCV003005213.3), dbSNP rs1356750726, ClinGen allele CA356544469.